The following is an entry in ClinVar:

NM_020812.4(DOCK6):c.3800C>T (p.Ala1267Val)

Genes: DOCK6 (dedicator of cytokinesis 6; minus strand), DOCK6-AS1 (DOCK6 antisense RNA 1; plus strand). Cytogenetic location: 19p13.2.
Variant type: single nucleotide variant.
Coding change: c.3800C>T on transcript NM_020812.4 (MANE Select); coding-DNA position 3800, C replaced by T.
Protein change: p.Ala1267Val; replaces alanine 1267 with valine.
Molecular consequence: missense variant.
Genome position (GRCh38, 1-based): chr19:11,217,008, G>A on the plus strand (C>T on the coding strand, the complement: DOCK6 is on the minus strand). VCF-style: chr19-11217008-G-A. GRCh37 (hg19) VCF-style: chr19-11327684-G-A.
Other names: c.3905C>T, p.Ala1302Val (NM_001367830.1); short protein forms A1302V, A1267V.
Identifiers: ClinVar variation 3666871 (VCV003666871.2).

ClinVar aggregate classification (germline): Uncertain significance. Review status: criteria provided, multiple submitters, no conflicts (2 of 4 stars). 2 submissions from 2 submitters: Uncertain significance (2). Last evaluated 2025-01-21.

Submissions (2):

Labcorp Genetics (formerly Invitae), Labcorp
Classification: Uncertain significance. Last evaluated: 2025-01-21. Review status: criteria provided, single submitter. Criteria: Invitae Variant Classification Sherloc (09022015). Collection method: clinical testing. Allele origin: germline.
Comment: This sequence change replaces alanine, which is neutral and non-polar, with valine, which is neutral and non-polar, at codon 1267 of the DOCK6 protein (p.Ala1267Val). This variant is present in population databases (rs150657511, gnomAD 0.1%). This variant has not been reported in the literature in individuals affected with DOCK6-related conditions. Invitae Evidence Modeling of protein sequence and biophysical properties (such as structural, functional, and spatial information, amino acid conservation, physicochemical variation, residue mobility, and thermodynamic stability) indicates that this missense variant is not expected to disrupt DOCK6 protein function with a negative predictive value of 80%. In summary, the available evidence is currently insufficient to determine the role of this variant in disease. Therefore, it has been classified as a Variant of Uncertain Significance.

Blueprint Genetics
Classification: Uncertain significance. Last evaluated: 2022-11-02. Review status: criteria provided, single submitter. Criteria: ACMG Guidelines, 2015. Collection method: clinical testing. Allele origin: germline.